The following is an entry in ClinVar:

NM_002439.5(MSH3):c.1921_1924del (p.Ile641fs)

Gene: MSH3 (mutS homolog 3; plus strand). Cytogenetic location: 5q14.1.
Variant type: Deletion.
Coding change: c.1921_1924del on transcript NM_002439.5 (MANE Select); coding-DNA positions 1921 to 1924, 4 bases deleted (ATTG; older notation c.1921_1924delATTG).
Protein change: p.Ile641fs; shifts the reading frame from isoleucine 641.
Molecular consequence: frameshift variant.
Genome position (GRCh38, 1-based): chr5:80,767,957-80,767,960, ATTG deleted; deleting any 4 consecutive bases within chr5:80,767,954-80,767,960 gives the same sequence; the c. name uses the placement nearest the transcript's 3' end. VCF-style (leftmost placement, unchanged base first): chr5-80767953-CTTGA-C. GRCh37 (hg19) VCF-style: chr5-80063772-CTTGA-C.
Other names: short protein forms I641fs.
Identifiers: ClinVar variation 4812975 (VCV004812975.1).
Genomic context (GRCh38, chr5:80,767,953, plus strand): 5'-GTATCTTATGCTATTTCATAAAAAATATTTCTATTTTCAGTGTTCTACCCAAGAGTTCTT[CTTGA>C]TTGTCAAAACTTTATATCACCTAAAGTCAGAATTTCAAGCAATAATACCTGCTGTTAATT-3'

ClinVar aggregate classification (germline): Pathogenic (1 of 4 stars; one submission).

Conditions:
Familial adenomatous polyposis 4 (FAP4). Also called: MSH3-related attenuated familial adenomatous polyposis. Identifiers: Orphanet 480536, MedGen C4310719, MONDO:0044300, OMIM 617100.

Submission:

Myriad Genetics, Inc.
Classification: Pathogenic for Familial adenomatous polyposis 4. Last evaluated: 2025-10-14. Review status: criteria provided, single submitter. Criteria: Myriad Autosomal Dominant, Autosomal Recessive and X-Linked Classification Criteria (2023). Collection method: clinical testing. Allele origin: unknown.
Comment: This variant is considered pathogenic. This variant creates a frameshift predicted to result in premature protein truncation.